The following is an entry in ClinVar:

ClinVar aggregate classification (germline): Uncertain significance. Review status: criteria provided, multiple submitters, no conflicts (2 of 4 stars). 2 submissions from 2 submitters: Uncertain significance (2). Last evaluated 2021-07-30.

Conditions:
Osteogenesis imperfecta type 8 (OI8). Identifiers: MedGen C1970458, MONDO:0012581, OMIM 610915.

Allele frequency attached by ClinVar (database versions not stated): gnomAD exomes below 0.00001; TOPMed below 0.00001; gnomAD 0.00001.
gnomAD v4.1: 7 of 1,604,274 alleles (0.00044%); highest among the groups gnomAD compares: African/African-American, 0.0027%; no homozygotes.

Submissions (2):

Department of Pathology and Laboratory Medicine, Sinai Health System
Classification: Uncertain significance for Osteogenesis imperfecta type 8. Last evaluated: 2021-07-30. Review status: criteria provided, single submitter. Criteria: ACMG Guidelines, 2015. Collection method: research. Allele origin: germline.

Labcorp Genetics (formerly Invitae), Labcorp
Classification: Uncertain significance for Osteogenesis imperfecta type 8. Last evaluated: 2018-11-20. Review status: criteria provided, single submitter. Criteria: Invitae Variant Classification Sherloc (09022015). Collection method: clinical testing. Allele origin: germline.
Comment: This sequence change replaces glycine with glutamic acid at codon 49 of the P3H1 protein (p.Gly49Glu). The glycine residue is moderately conserved and there is a moderate physicochemical difference between glycine and glutamic acid. This variant is not present in population databases (ExAC no frequency). In summary, the available evidence is currently insufficient to determine the role of this variant in disease. Therefore, it has been classified as a Variant of Uncertain Significance. Algorithms developed to predict the effect of missense changes on protein structure and function (SIFT, PolyPhen-2, Align-GVGD) all suggest that this variant is likely to be tolerated, but these predictions have not been confirmed by published functional studies and their clinical significance is uncertain. This variant has not been reported in the literature in individuals with P3H1-related disease.

NM_022356.4(P3H1):c.146G>A (p.Gly49Glu)

Gene: P3H1 (prolyl 3-hydroxylase 1; minus strand). Cytogenetic location: 1p34.2.
Variant type: single nucleotide variant.
Coding change: c.146G>A on transcript NM_022356.4 (MANE Select); coding-DNA position 146, G replaced by A.
Protein change: p.Gly49Glu; replaces glycine 49 with glutamic acid.
Molecular consequence: missense variant.
Genome position (GRCh38, 1-based): chr1:42,766,826, C>T on the plus strand (G>A on the coding strand, the complement: P3H1 is on the minus strand). VCF-style: chr1-42766826-C-T. GRCh37 (hg19) VCF-style: chr1-43232497-C-T.
Other names: c.146G>A, p.Gly49Glu (NM_001146289.2, NM_001243246.2); short protein forms G49E.
Identifiers: ClinVar variation 648515 (VCV000648515.9), dbSNP rs1035425402, ClinGen allele CA21251597.
Genomic context (GRCh38, chr1:42,766,826, plus strand): 5'-CGGAGGGCTGCCCGGGAGCGCAGCGCCCGTTCCATGCTCAGGACCACCCCGGGCCAGTCC[C>T]CGCGCGCGTAGGCTGCGGTCCCCTCGGCGAAGAGCAGATCAGGCGTCACCATGCCCCATC-3'
Protein context (NP_071751.3, residues 39-59): FAEGTAAYAR[Gly49Glu]DWPGVVLSME